The following is an entry in ClinVar:

ClinVar aggregate classification (germline): Uncertain significance (1 of 4 stars; one submission).

gnomAD v4.1: 2 of 1,614,140 alleles (0.00012%); highest among the groups gnomAD compares: Non-Finnish European, 0.00017%; no homozygotes.

Submission:

Labcorp Genetics (formerly Invitae), Labcorp
Classification: Uncertain significance. Last evaluated: 2021-08-26. Review status: criteria provided, single submitter. Criteria: Invitae Variant Classification Sherloc (09022015). Collection method: clinical testing. Allele origin: germline.
Comment: This sequence change replaces arginine with proline at codon 466 of the HPS4 protein (p.Arg466Pro). The arginine residue is weakly conserved and there is a moderate physicochemical difference between arginine and proline. This variant is not present in population databases (ExAC no frequency). This variant has not been reported in the literature in individuals affected with HPS4-related conditions. Algorithms developed to predict the effect of missense changes on protein structure and function (SIFT, PolyPhen-2, Align-GVGD) all suggest that this variant is likely to be tolerated. In summary, the available evidence is currently insufficient to determine the role of this variant in disease. Therefore, it has been classified as a Variant of Uncertain Significance.

NM_022081.6(HPS4):c.1397G>C (p.Arg466Pro)

Gene: HPS4 (HPS4 biogenesis of lysosomal organelles complex 3 subunit 2; minus strand). Cytogenetic location: 22q12.1.
Variant type: single nucleotide variant.
Coding change: c.1397G>C on transcript NM_022081.6 (MANE Select); coding-DNA position 1397, G replaced by C.
Protein change: p.Arg466Pro; replaces arginine 466 with proline.
Molecular consequence: missense variant. On other transcripts: non-coding transcript variant (8).
Genome position (GRCh38, 1-based): chr22:26,464,233, C>G on the plus strand (G>C on the coding strand, the complement: HPS4 is on the minus strand). VCF-style: chr22-26464233-C-G. GRCh37 (hg19) VCF-style: chr22-26860199-C-G.
Other names: c.1397G>C, p.Arg466Pro (NM_001349896.1, NM_001349898.2, NM_001349899.2 and 4 more transcripts); c.1451G>C, p.Arg484Pro (NM_001349900.2, NM_001349901.1); c.1382G>C, p.Arg461Pro (NM_152841.2); short protein forms R466P, R484P, R461P.
Identifiers: ClinVar variation 1507428 (VCV001507428.5), dbSNP rs142958812, ClinGen allele CA411027108.